The following is an entry in ClinVar:

ClinVar aggregate classification (germline): Uncertain significance. Review status: criteria provided, multiple submitters, no conflicts (2 of 4 stars). 3 submissions from 3 submitters: Uncertain significance (3). Last evaluated 2024-08-17.

Conditions:
Hereditary cancer-predisposing syndrome. Also called: Neoplastic Syndromes, Hereditary; Tumor predisposition; Hereditary neoplastic syndrome; Hereditary Cancer Syndrome. Identifiers: Orphanet 140162, MedGen C0027672, MeSH D009386, MONDO:0015356.
Bloom syndrome (BLM). Also called: Bloom-Torre-Machacek syndrome. Identifiers: Orphanet 125, MedGen C0005859, MONDO:0008876, OMIM 210900.

Allele frequency attached by ClinVar (database versions not stated): TOPMed below 0.00001.

Submissions (3):

Ambry Genetics
Classification: Uncertain significance for Hereditary cancer-predisposing syndrome. Last evaluated: 2024-08-17. Review status: criteria provided, single submitter. Criteria: Ambry Variant Classification Scheme 2023. Collection method: clinical testing. Allele origin: germline.
Comment: The p.T221N variant (also known as c.662C>A), located in coding exon 2 of the BLM gene, results from a C to A substitution at nucleotide position 662. The threonine at codon 221 is replaced by asparagine, an amino acid with similar properties. This amino acid position is conserved. In addition, this alteration is predicted to be tolerated by in silico analysis. Based on the available evidence, the clinical significance of this variant remains unclear.

Blueprint Genetics
Classification: Uncertain significance. Last evaluated: 2022-10-04. Review status: criteria provided, single submitter. Criteria: ACMG Guidelines, 2015. Collection method: clinical testing. Allele origin: germline.

Labcorp Genetics (formerly Invitae), Labcorp
Classification: Uncertain significance for Bloom syndrome. Last evaluated: 2019-09-02. Review status: criteria provided, single submitter. Criteria: Invitae Variant Classification Sherloc (09022015). Collection method: clinical testing. Allele origin: germline.
Comment: This sequence change replaces threonine with asparagine at codon 221 of the BLM protein (p.Thr221Asn). The threonine residue is moderately conserved and there is a small physicochemical difference between threonine and asparagine. This variant is not present in population databases (ExAC no frequency). This variant has not been reported in the literature in individuals with BLM-related conditions. Algorithms developed to predict the effect of missense changes on protein structure and function are either unavailable or do not agree on the potential impact of this missense change (SIFT: "Tolerated"; PolyPhen-2: "Possibly Damaging"; Align-GVGD: "Class C0"). In summary, the available evidence is currently insufficient to determine the role of this variant in disease. Therefore, it has been classified as a Variant of Uncertain Significance.

NM_000057.4(BLM):c.662C>A (p.Thr221Asn)

Gene: BLM (BLM RecQ like helicase; plus strand). Cytogenetic location: 15q26.1.
Variant type: single nucleotide variant.
Coding change: c.662C>A on transcript NM_000057.4 (MANE Select); coding-DNA position 662, C replaced by A.
Protein change: p.Thr221Asn; replaces threonine 221 with asparagine.
Molecular consequence: missense variant. On other transcripts: 5 prime UTR variant (1).
Genome position (GRCh38, 1-based): chr15:90,749,930, C>A. VCF-style: chr15-90749930-C-A. GRCh37 (hg19) VCF-style: chr15-91293160-C-A.
Other names: c.662C>A, p.Thr221Asn (NM_001287246.2, NM_001287247.2); c.-630C>A (NM_001287248.2); c.662C>A (NM_000057.2); short protein forms T221N.
Identifiers: ClinVar variation 963029 (VCV000963029.12), dbSNP rs1407804704, ClinGen allele CA393841281.